The following is an entry in ClinVar:

NM_005996.4(TBX3):c.1751C>G (p.Pro584Arg)

Gene: TBX3 (T-box transcription factor 3; minus strand). Cytogenetic location: 12q24.21.
Variant type: single nucleotide variant.
Coding change: c.1751C>G on transcript NM_005996.4 (MANE Select); coding-DNA position 1751, C replaced by G.
Protein change: p.Pro584Arg; replaces proline 584 with arginine.
Molecular consequence: missense variant.
Genome position (GRCh38, 1-based): chr12:114,672,262, G>C on the plus strand (C>G on the coding strand, the complement: TBX3 is on the minus strand). VCF-style: chr12-114672262-G-C. GRCh37 (hg19) VCF-style: chr12-115110067-G-C.
Other names: c.1811C>G, p.Pro604Arg (NM_016569.4); short protein forms P584R, P604R.
Identifiers: ClinVar variation 1810530 (VCV001810530.2), dbSNP rs2499784057, ClinGen allele CA386868284.

ClinVar aggregate classification (germline): Uncertain significance (1 of 4 stars; one submission).

Submission:

GeneDx
Classification: Uncertain significance. Last evaluated: 2024-06-07. Review status: criteria provided, single submitter. Criteria: GeneDx Variant Classification Process June 2021. Collection method: clinical testing. Allele origin: germline.
Comment: Not observed at significant frequency in large population cohorts (gnomAD); In silico analysis supports that this missense variant has a deleterious effect on protein structure/function; Has not been previously published as pathogenic or benign to our knowledge